The following is an entry in ClinVar:

NM_152393.4(KLHL40):c.1136_1137delinsAA (p.Ser379Lys)

Gene: KLHL40 (kelch like family member 40; plus strand). Cytogenetic location: 3p22.1.
Variant type: Indel.
Coding change: c.1136_1137delinsAA on transcript NM_152393.4 (MANE Select); coding-DNA positions 1136 to 1137, GC replaced by AA.
Protein change: p.Ser379Lys; replaces serine 379 with lysine.
Molecular consequence: missense variant.
Genome position (GRCh38, 1-based): chr3:42,686,754-42,686,755, GC replaced by AA. VCF-style: chr3-42686754-GC-AA. GRCh37 (hg19) VCF-style: chr3-42728246-GC-AA.
Other names: short protein forms S379K.
Identifiers: ClinVar variation 1063156 (VCV001063156.5), dbSNP rs2125844947, ClinGen allele CA2499216783.

ClinVar aggregate classification (germline): Uncertain significance (1 of 4 stars; one submission).

Conditions:
Nemaline myopathy 8 (NEM8). Also called: Nemaline myopathy 8, autosomal recessive. Identifiers: Orphanet 171430, MedGen C3809209, MONDO:0014138, OMIM 615348.

Submission:

Labcorp Genetics (formerly Invitae), Labcorp
Classification: Uncertain significance for Nemaline myopathy 8. Last evaluated: 2022-08-23. Review status: criteria provided, single submitter. Criteria: Invitae Variant Classification Sherloc (09022015). Collection method: clinical testing. Allele origin: germline.
Comment: In summary, the available evidence is currently insufficient to determine the role of this variant in disease. Therefore, it has been classified as a Variant of Uncertain Significance. Algorithms developed to predict the effect of missense changes on protein structure and function are either unavailable or do not agree on the potential impact of this missense change (SIFT: "Not Available"; PolyPhen-2: "Benign"; Align-GVGD: "Not Available"). ClinVar contains an entry for this variant (Variation ID: 1063156). This variant has not been reported in the literature in individuals affected with KLHL40-related conditions. Information on the frequency of this variant in the gnomAD database is not available, as this variant may be reported differently in the database. This sequence change replaces serine, which is neutral and polar, with lysine, which is basic and polar, at codon 379 of the KLHL40 protein (p.Ser379Lys).